The following is an entry in ClinVar:

NM_002805.6(PSMC5):c.705T>A (p.Phe235Leu)

Gene: PSMC5 (proteasome 26S subunit, ATPase 5; plus strand). Cytogenetic location: 17q23.3.
Variant type: single nucleotide variant.
Coding change: c.705T>A on transcript NM_002805.6 (MANE Select); coding-DNA position 705, T replaced by A.
Protein change: p.Phe235Leu; replaces phenylalanine 235 with leucine.
Molecular consequence: missense variant.
Genome position (GRCh38, 1-based): chr17:63,831,061, T>A. VCF-style: chr17-63831061-T-A. GRCh37 (hg19) VCF-style: chr17-61908421-T-A.
Other names: c.681T>A, p.Phe227Leu (NM_001199163.2); short protein forms F227L, F235L.
Identifiers: ClinVar variation 3602978 (VCV003602978.1).

ClinVar aggregate classification (germline): Uncertain significance (1 of 4 stars; one submission).

Submission:

GeneDx
Classification: Uncertain significance. Last evaluated: 2022-11-23. Review status: criteria provided, single submitter. Criteria: GeneDx Variant Classification Process June 2021. Collection method: clinical testing. Allele origin: germline. Affected: yes.
Comment: Not observed at significant frequency in large population cohorts (gnomAD); In silico analysis supports that this missense variant has a deleterious effect on protein structure/function; Has not been previously published as pathogenic or benign to our knowledge; Variants in candidate genes are classified as variants of uncertain significance in accordance with ACMG guidelines (Richards et al., 2015)